The following is an entry in ClinVar:

ClinVar aggregate classification (germline): Uncertain significance. Review status: criteria provided, single submitter (1 of 4 stars). 2 submissions from 2 submitters: Uncertain significance (1). 1 of the submissions does not count toward it. Last evaluated 2024-11-11.

Conditions:
Leukodystrophy, hypomyelinating, 6. Also called: LEUKODYSTROPHY, HYPOMYELINATING, WITH ATROPHY OF THE BASAL GANGLIA AND CEREBELLUM; TUBB4A-Associated Leukodystrophy; Hypomyelination with Atrophy of Basal Ganglia and Cerebellum (H-ABC). Identifiers: Orphanet 139441, MedGen C2676244, MONDO:0012905, OMIM 612438.

Submissions (2):

3billion
Classification: Uncertain significance for Leukodystrophy, hypomyelinating, 6. Last evaluated: 2024-11-11. Review status: criteria provided, single submitter. Criteria: ACMG Guidelines, 2015. Collection method: clinical testing. Allele origin: germline. Affected: yes.
Comment: The variant is not observed in the gnomAD v4.1.0 dataset. Predicted Consequence/Location: Missense variant. Missense changes are a common disease-causing mechanism. In silico tool predictions suggest damaging effect of the variant on gene or gene product [REVEL: 0.94 (>=0.6, sensitivity 0.68 and specificity 0.92); 3Cnet: 0.99 (>=0.6, sensitivity 0.72 and precision 0.9)]. The same nucleotide change resulting in the same amino acid change has been previously reported to be associated with TUBB4A-related disorder (PMID: 24785942). However, the evidence of pathogenicity is insufficient at this time. Therefore, this variant is classified as VUS according to the recommendation of ACMG/AMP guideline.

GeneReviews
No classification provided. Condition: Leukodystrophy, hypomyelinating, 6. Review status: no classification provided. Collection method: literature only. Allele origin: germline. Affected: yes. Not counted in ClinVar's aggregate classification.

Literature cited by the submitters: PubMed 24785942 (cited by 3billion and GeneReviews); NCBI Bookshelf NBK395611 (cited by GeneReviews).

NM_006087.4(TUBB4A):c.968T>G (p.Met323Arg)

Gene: TUBB4A (tubulin beta 4A class IVa; minus strand). Cytogenetic location: 19p13.3.
Variant type: single nucleotide variant.
Coding change: c.968T>G on transcript NM_006087.4 (MANE Select); coding-DNA position 968, T replaced by G.
Protein change: p.Met323Arg; replaces methionine 323 with arginine.
Molecular consequence: missense variant.
Genome position (GRCh38, 1-based): chr19:6,495,531, A>C on the plus strand (T>G on the coding strand, the complement: TUBB4A is on the minus strand). VCF-style: chr19-6495531-A-C. GRCh37 (hg19) VCF-style: chr19-6495542-A-C.
Other names: c.1121T>G, p.Met374Arg (NM_001289123.2); c.1103T>G, p.Met368Arg (NM_001289127.2); c.968T>G, p.Met323Arg (NM_001289129.2); c.752T>G, p.Met251Arg (NM_001289130.2, NM_001289131.2); short protein forms M374R, M323R, M251R, M368R.
Identifiers: ClinVar variation 267784 (VCV000267784.3), dbSNP rs886041014, ClinGen allele CA10602626.